The following is an entry in ClinVar:

NM_000428.3(LTBP2):c.3149A>G (p.Gln1050Arg)

Gene: LTBP2 (latent transforming growth factor beta binding protein 2; minus strand). Cytogenetic location: 14q24.3.
Variant type: single nucleotide variant.
Coding change: c.3149A>G on transcript NM_000428.3 (MANE Select); coding-DNA position 3149, A replaced by G.
Protein change: p.Gln1050Arg; replaces glutamine 1050 with arginine.
Molecular consequence: missense variant.
Genome position (GRCh38, 1-based): chr14:74,510,093, T>C on the plus strand (A>G on the coding strand, the complement: LTBP2 is on the minus strand). VCF-style: chr14-74510093-T-C. GRCh37 (hg19) VCF-style: chr14-74976796-T-C.
Other names: c.3149A>G (NM_000428.2); short protein forms Q1050R.
Identifiers: ClinVar variation 1943472 (VCV001943472.4), dbSNP rs377619212, ClinGen allele CA7269281.

ClinVar aggregate classification (germline): Uncertain significance. Review status: criteria provided, multiple submitters, no conflicts (2 of 4 stars). 2 submissions from 2 submitters: Uncertain significance (2). Last evaluated 2023-01-17.

Conditions:
Inborn genetic diseases. Identifiers: MedGen C0950123, MeSH D030342.

Allele frequency attached by ClinVar (database versions not stated): ExAC 0.00002; gnomAD 0.00002; gnomAD exomes 0.00002; TOPMed 0.00002; ESP Exome Variant Server 0.00008.

Submissions (2):

Ambry Genetics
Classification: Uncertain significance for Inborn genetic diseases. Last evaluated: 2023-01-17. Review status: criteria provided, single submitter. Criteria: Ambry Variant Classification Scheme 2023. Collection method: clinical testing. Allele origin: germline.

Labcorp Genetics (formerly Invitae), Labcorp
Classification: Uncertain significance. Last evaluated: 2022-08-16. Review status: criteria provided, single submitter. Criteria: Invitae Variant Classification Sherloc (09022015). Collection method: clinical testing. Allele origin: germline.
Comment: This sequence change replaces glutamine, which is neutral and polar, with arginine, which is basic and polar, at codon 1050 of the LTBP2 protein (p.Gln1050Arg). This variant is present in population databases (rs377619212, gnomAD 0.007%). This variant has not been reported in the literature in individuals affected with LTBP2-related conditions. Algorithms developed to predict the effect of missense changes on protein structure and function output the following: SIFT: "Tolerated"; PolyPhen-2: "Benign"; Align-GVGD: "Class C0". The arginine amino acid residue is found in multiple mammalian species, which suggests that this missense change does not adversely affect protein function. In summary, the available evidence is currently insufficient to determine the role of this variant in disease. Therefore, it has been classified as a Variant of Uncertain Significance.